The following is an entry in ClinVar:

ClinVar aggregate classification (germline): Uncertain significance (1 of 4 stars; one submission).

Conditions:
Cardiovascular phenotype. Identifiers: MedGen CN230736.

Submission:

Ambry Genetics
Classification: Uncertain significance for Cardiovascular phenotype. Last evaluated: 2025-09-17. Review status: criteria provided, single submitter. Criteria: Ambry Variant Classification Scheme 2023. Collection method: clinical testing. Allele origin: germline.
Comment: The p.N227I variant (also known as c.680A>T), located in coding exon 6 of the SPRED1 gene, results from an A to T substitution at nucleotide position 680. The asparagine at codon 227 is replaced by isoleucine, an amino acid with dissimilar properties. This amino acid position is conserved. In addition, this alteration is predicted to be tolerated by in silico analysis. Based on the available evidence, the clinical significance of this variant remains unclear.

NM_152594.3(SPRED1):c.680A>T (p.Asn227Ile)

Gene: SPRED1 (sprouty related EVH1 domain containing 1; plus strand). Cytogenetic location: 15q14.
Variant type: single nucleotide variant.
Coding change: c.680A>T on transcript NM_152594.3 (MANE Select); coding-DNA position 680, A replaced by T.
Protein change: p.Asn227Ile; replaces asparagine 227 with isoleucine.
Molecular consequence: missense variant.
Genome position (GRCh38, 1-based): chr15:38,349,519, A>T. VCF-style: chr15-38349519-A-T. GRCh37 (hg19) VCF-style: chr15-38641720-A-T.
Other names: short protein forms N227I.
Identifiers: ClinVar variation 4615004 (VCV004615004.1).